The following is an entry in ClinVar:

NM_017780.4(CHD7):c.356_359dup (p.Gly121fs)

Gene: CHD7 (chromodomain helicase DNA binding protein 7; plus strand). Cytogenetic location: 8q12.2.
Variant type: Duplication.
Coding change: c.356_359dup on transcript NM_017780.4 (MANE Select); coding-DNA positions 356 to 359, 4 bases duplicated (GTGG; older notation c.356_359dupGTGG).
Protein change: p.Gly121fs; shifts the reading frame from glycine 121.
Molecular consequence: frameshift variant.
Genome position (GRCh38, 1-based): chr8:60,741,788-60,741,791, GTGG duplicated; duplicating any 4 consecutive bases within chr8:60,741,787-60,741,791 gives the same sequence; the c. name uses the placement nearest the transcript's 3' end. VCF-style (leftmost placement, unchanged base first): chr8-60741786-T-TGGTG. GRCh37 (hg19) VCF-style: chr8-61654345-T-TGGTG.
Other names: c.356_359dup, p.Gly121fs (NM_001316690.1); short protein forms G121fs.
Identifiers: ClinVar variation 1455730 (VCV001455730.6), dbSNP rs2150578004, ClinGen allele CA2573143243.

ClinVar aggregate classification (germline): Pathogenic (1 of 4 stars; one submission).

Conditions:
CHARGE syndrome (CHARGE). Also called: Coloboma, heart anomaly, choanal atresia, retardation, genital and ear anomalies; CHARGE association; Hall-Hittner syndrome; Hittner Hirsch Kreh syndrome; CHARGE ASSOCIATION--COLOBOMA, HEART ANOMALY, CHOANAL ATRESIA, RETARDATION, GENITAL AND EAR ANOMALIES. Identifiers: Orphanet 138, MedGen C0265354, MONDO:0008965.

Submission:

Labcorp Genetics (formerly Invitae), Labcorp
Classification: Pathogenic for CHARGE syndrome. Last evaluated: 2021-06-10. Review status: criteria provided, single submitter. Criteria: Invitae Variant Classification Sherloc (09022015). Collection method: clinical testing. Allele origin: germline.
Comment: For these reasons, this variant has been classified as Pathogenic. This variant has not been reported in the literature in individuals with CHD7-related conditions. This variant is not present in population databases (ExAC no frequency). This sequence change creates a premature translational stop signal (p.Gly121Trpfs*13) in the CHD7 gene. It is expected to result in an absent or disrupted protein product. Loss-of-function variants in CHD7 are known to be pathogenic (PMID: 22461308, 25077900).

Literature cited by the submitters: PubMed 22461308; PubMed 25077900.